The following is an entry in ClinVar:

ClinVar aggregate classification (germline): Uncertain significance (1 of 4 stars; one submission).

Conditions:
Bardet-Biedl syndrome (BBS). Identifiers: Orphanet 110, MedGen C0752166, MONDO:0015229.

gnomAD v4.1: 1 of 1,614,018 alleles (0.000062%); highest among the groups gnomAD compares: Non-Finnish European, 0.000085%; no homozygotes.

Submission:

Labcorp Genetics (formerly Invitae), Labcorp
Classification: Uncertain significance for Bardet-Biedl syndrome. Last evaluated: 2024-04-17. Review status: criteria provided, single submitter. Criteria: Invitae Variant Classification Sherloc (09022015). Collection method: clinical testing. Allele origin: germline.
Comment: This sequence change replaces arginine, which is basic and polar, with leucine, which is neutral and non-polar, at codon 139 of the TTC8 protein (p.Arg139Leu). This variant is not present in population databases (gnomAD no frequency). This variant has not been reported in the literature in individuals affected with TTC8-related conditions. ClinVar contains an entry for this variant (Variation ID: 1019380). Advanced modeling of protein sequence and biophysical properties (such as structural, functional, and spatial information, amino acid conservation, physicochemical variation, residue mobility, and thermodynamic stability) has been performed at Invitae for this missense variant, however the output from this modeling did not meet the statistical confidence thresholds required to predict the impact of this variant on TTC8 protein function. In summary, the available evidence is currently insufficient to determine the role of this variant in disease. Therefore, it has been classified as a Variant of Uncertain Significance.

NM_144596.4(TTC8):c.446G>T (p.Arg149Leu)

Gene: TTC8 (tetratricopeptide repeat domain 8; plus strand). Cytogenetic location: 14q31.3.
Variant type: single nucleotide variant.
Coding change: c.446G>T on transcript NM_144596.4 (MANE Select); coding-DNA position 446, G replaced by T.
Protein change: p.Arg149Leu; replaces arginine 149 with leucine.
Molecular consequence: missense variant. On other transcripts: 5 prime UTR variant (2), non-coding transcript variant (1).
Genome position (GRCh38, 1-based): chr14:88,841,153, G>T. VCF-style: chr14-88841153-G-T. GRCh37 (hg19) VCF-style: chr14-89307497-G-T.
Other names: c.416G>T, p.Arg139Leu (NM_001288781.1, NM_001366535.2, NM_001366536.2 and 2 more transcripts); c.-147G>T (NM_001288782.1); c.-242G>T (NM_001288783.1); short protein forms R139L, R149L.
Identifiers: ClinVar variation 1019380 (VCV001019380.10), dbSNP rs768271175, ClinGen allele CA390574878.